The following is an entry in ClinVar:

NM_000059.4(BRCA2):c.8459T>A (p.Val2820Glu)

Gene: BRCA2 (BRCA2 DNA repair associated; plus strand). Cytogenetic location: 13q13.1.
Variant type: single nucleotide variant.
Coding change: c.8459T>A on transcript NM_000059.4 (MANE Select); coding-DNA position 8459, T replaced by A.
Protein change: p.Val2820Glu; replaces valine 2820 with glutamic acid.
Molecular consequence: missense variant.
Genome position (GRCh38, 1-based): chr13:32,370,529, T>A. VCF-style: chr13-32370529-T-A. GRCh37 (hg19) VCF-style: chr13-32944666-T-A.
Other names: short protein forms V2820E.
Identifiers: ClinVar variation 959303 (VCV000959303.10), dbSNP rs746634772, ClinGen allele CA387752599.

ClinVar aggregate classification (germline): Uncertain significance (1 of 4 stars; one submission).

Conditions:
Hereditary breast ovarian cancer syndrome. Also called: Hereditary breast and ovarian cancer; BRCA1- and BRCA2-Associated Hereditary Breast and Ovarian Cancer; Hereditary breast and/or ovarian cancer syndrome; Hereditary breast and ovarian cancer syndrome; Hereditary breast and ovarian cancer syndrome (HBOC); Breast and ovarian cancer. Identifiers: Orphanet 145, MedGen C0677776, MeSH D061325, MONDO:0003582. Disease mechanism: loss of function.

Submission:

Labcorp Genetics (formerly Invitae), Labcorp
Classification: Uncertain significance for Hereditary breast ovarian cancer syndrome. Last evaluated: 2019-07-24. Review status: criteria provided, single submitter. Criteria: Invitae Variant Classification Sherloc (09022015). Collection method: clinical testing. Allele origin: germline.
Comment: This variant is not present in population databases (ExAC no frequency). This sequence change replaces valine with glutamic acid at codon 2820 of the BRCA2 protein (p.Val2820Glu). The valine residue is moderately conserved and there is a moderate physicochemical difference between valine and glutamic acid. This variant has not been reported in the literature in individuals with BRCA2-related conditions. In summary, the available evidence is currently insufficient to determine the role of this variant in disease. Therefore, it has been classified as a Variant of Uncertain Significance. Algorithms developed to predict the effect of missense changes on protein structure and function (SIFT, PolyPhen-2, Align-GVGD) all suggest that this variant is likely to be disruptive, but these predictions have not been confirmed by published functional studies and their clinical significance is uncertain.